The following is an entry in ClinVar:

NM_000261.2(MYOC):c.26G>C (p.Cys9Ser)

Gene: MYOC (myocilin; minus strand). Cytogenetic location: 1q24.3.
Variant type: single nucleotide variant.
Coding change: c.26G>C on transcript NM_000261.2 (MANE Select); coding-DNA position 26, G replaced by C.
Protein change: p.Cys9Ser; replaces cysteine 9 with serine.
Molecular consequence: missense variant.
Genome position (GRCh38, 1-based): chr1:171,652,586, C>G on the plus strand (G>C on the coding strand, the complement: MYOC is on the minus strand). VCF-style: chr1-171652586-C-G. GRCh37 (hg19) VCF-style: chr1-171621726-C-G.
Other names: NM_000261.2:c.26G>C; short protein forms C9S.
Identifiers: ClinVar variation 1703221 (VCV001703221.2), dbSNP rs2527874500, ClinGen allele CA343720151.

ClinVar aggregate classification (germline): Uncertain significance (3 of 4 stars; one submission).

Conditions:
Open-angle glaucoma. Identifiers: MedGen C0017612, MONDO:0005338, HP:0012108.

Submission:

ClinGen Glaucoma Variant Curation Expert Panel
Classification: Uncertain significance for Open-angle glaucoma. Last evaluated: 2025-11-12. Review status: reviewed by expert panel. Criteria: ClinGen Glaucoma ACMG Specifications V2.0.0 Approved. Collection method: curation. Allele origin: germline. Inheritance: Autosomal dominant inheritance.
Comment: The c.26G>C variant in MYOC is a missense variant predicted to cause substitution of Cysteine by Serine at amino acid 9 (p.Cys9Ser). This variant was not found in any genetic ancestry group of gnomAD (v4.1.0), meeting the ≤ 0.0001 threshold set for PM2_Supporting in a genetic ancestry group of at least 10,000 alleles. The REVEL score = 0.067, which was within the 0.017-0.183 range for BP4_Moderate, suggesting that the variant does not impact MYOC function. There was no functional evidence predicting a damaging or benign impact of this variant on MYOC function. Only 1 proband with primary open angle glaucoma had been reported (PMID: 10196380), not meeting the ≥ 2 probands threshold required to meet PS4_Supporting. In summary, this variant met the criteria to receive a score of -1 and to be classified as a variant of uncertain significance (uncertain significance classification range -1 to 5, adapted from PMID: 32720330) for primary open angle glaucoma based on the ACMG/AMP criteria met, as specified by the ClinGen Glaucoma VCEP (v2.0.0, 5 Dec 2024): BP4_Moderate, PM2_Supporting.